The following is an entry in ClinVar:

ClinVar aggregate classification (germline): Likely benign. Review status: criteria provided, multiple submitters, no conflicts (2 of 4 stars). 2 submissions from 2 submitters: Likely benign (2). Last evaluated 2024-03-16.

Conditions:
Long QT syndrome (LQTS). Identifiers: MedGen C0023976, MeSH D008133, MONDO:0002442. Disease mechanism: loss of function. Inheritance: Various modes of inheritance.

Submissions (2):

Labcorp Genetics (formerly Invitae), Labcorp
Classification: Likely benign for Long QT syndrome. Last evaluated: 2024-03-16. Review status: criteria provided, single submitter. Criteria: Invitae Variant Classification Sherloc (09022015). Collection method: clinical testing. Allele origin: germline.

GeneDx
Classification: Likely benign. Last evaluated: 2017-02-15. Review status: criteria provided, single submitter. Criteria: GeneDx Variant Classification (06012015). Collection method: clinical testing. Allele origin: germline. Affected: yes.
Comment: This variant is considered likely benign or benign based on one or more of the following criteria: it is a conservative change, it occurs at a poorly conserved position in the protein, it is predicted to be benign by multiple in silico algorithms, and/or has population frequency not consistent with disease.

NM_000719.7(CACNA1C):c.2331G>A (p.Lys777=)

Gene: CACNA1C (calcium voltage-gated channel subunit alpha1 C; plus strand). Cytogenetic location: 12p13.33.
Variant type: single nucleotide variant.
Coding change: c.2331G>A on transcript NM_000719.7 (MANE Select); coding-DNA position 2331, G replaced by A.
Protein change: p.Lys777=; no amino-acid change (lysine 777 retained).
Molecular consequence: synonymous variant.
Genome position (GRCh38, 1-based): chr12:2,584,609, G>A. VCF-style: chr12-2584609-G-A. GRCh37 (hg19) VCF-style: chr12-2693775-G-A.
Other names: c.2331G>A, p.Lys777= (NM_001129827.2, NM_001129829.2, NM_001129830.3 and 18 more transcripts); c.2322G>A, p.Lys774= (NM_001129844.2).
Identifiers: ClinVar variation 507460 (VCV000507460.3), dbSNP rs1555833118, ClinGen allele CA477884648.
Genomic context (GRCh38, chr12:2,584,609, plus strand): 5'-TGATGCTGAGAGCCTCACATCTGCCCAAAAGGAGGAGGAAGAGGAGAAGGAGAGAAAGAA[G>A]CTGGCCAGGTAACCCTCTAAGCTTGCCCAGGCCTGGGGCTCCAGGGCTCCCATTGTGGAA-3'
Protein context (NP_000710.5, residues 767-787): KEEEEEKERK[Lys777=]LARTASPEKK